The following is an entry in ClinVar:

ClinVar aggregate classification (germline): Uncertain significance. Review status: criteria provided, multiple submitters, no conflicts (2 of 4 stars). 3 submissions from 3 submitters: Uncertain significance (3). Last evaluated 2024-02-26.

Conditions:
Inborn genetic diseases. Identifiers: MedGen C0950123, MeSH D030342.

Allele frequency attached by ClinVar (database versions not stated): gnomAD exomes 0.00002; gnomAD 0.00005; ExAC 0.00007.
gnomAD v4.1: 32 of 1,610,264 alleles (0.002%); highest among the groups gnomAD compares: Admixed American, 0.027%; no homozygotes.

Submissions (3):

Ambry Genetics
Classification: Uncertain significance for Inborn genetic diseases. Last evaluated: 2024-02-26. Review status: criteria provided, single submitter. Criteria: Ambry Variant Classification Scheme 2023. Collection method: clinical testing. Allele origin: germline.

Labcorp Genetics (formerly Invitae), Labcorp
Classification: Uncertain significance. Last evaluated: 2022-07-22. Review status: criteria provided, single submitter. Criteria: Invitae Variant Classification Sherloc (09022015). Collection method: clinical testing. Allele origin: germline.
Comment: This sequence change replaces arginine, which is basic and polar, with tryptophan, which is neutral and slightly polar, at codon 339 of the PIGB protein (p.Arg339Trp). This variant is present in population databases (rs777281224, gnomAD 0.03%). This variant has not been reported in the literature in individuals affected with PIGB-related conditions. Algorithms developed to predict the effect of missense changes on protein structure and function are either unavailable or do not agree on the potential impact of this missense change (SIFT: "Deleterious"; PolyPhen-2: "Possibly Damaging"; Align-GVGD: "Class C0"). In summary, the available evidence is currently insufficient to determine the role of this variant in disease. Therefore, it has been classified as a Variant of Uncertain Significance.

Blueprint Genetics
Classification: Uncertain significance. Last evaluated: 2022-04-05. Review status: criteria provided, single submitter. Criteria: ACMG Guidelines, 2015. Collection method: clinical testing. Allele origin: germline.

NM_004855.5(PIGB):c.1015C>T (p.Arg339Trp)

Gene: PIGB (phosphatidylinositol glycan anchor biosynthesis class B; plus strand). Cytogenetic location: 15q21.3.
Variant type: single nucleotide variant.
Coding change: c.1015C>T on transcript NM_004855.5 (MANE Select); coding-DNA position 1015, C replaced by T.
Protein change: p.Arg339Trp; replaces arginine 339 with tryptophan.
Molecular consequence: missense variant.
Genome position (GRCh38, 1-based): chr15:55,340,780, C>T. VCF-style: chr15-55340780-C-T. GRCh37 (hg19) VCF-style: chr15-55632978-C-T.
Other names: c.1015C>T (NM_004855.4); short protein forms R339W.
Identifiers: ClinVar variation 2416415 (VCV002416415.5), dbSNP rs777281224, ClinGen allele CA7573984.
Genomic context (GRCh38, chr15:55,340,780, plus strand): 5'-ATCTTGGGTACTCACTTACCCTTCTTTATTCATGGCTGCTATCTAGCACCAAAGAGATAC[C>T]GGATACTTTTGGTGACTGTGCTGTGGACACTGCTTGTTTATAGGTAAGATTTTATTTGTT-3'
Protein context (NP_004846.4, residues 329-349): HGCYLAPKRY[Arg339Trp]ILLVTVLWTL